The following is an entry in ClinVar:

NM_000807.4(GABRA2):c.160G>C (p.Asp54His)

Gene: GABRA2 (gamma-aminobutyric acid type A receptor subunit alpha2; minus strand). Cytogenetic location: 4p12.
Variant type: single nucleotide variant.
Coding change: c.160G>C on transcript NM_000807.4 (MANE Select); coding-DNA position 160, G replaced by C.
Protein change: p.Asp54His; replaces aspartic acid 54 with histidine.
Molecular consequence: missense variant. On other transcripts: synonymous variant (4).
Genome position (GRCh38, 1-based): chr4:46,386,101, C>G on the plus strand (G>C on the coding strand, the complement: GABRA2 is on the minus strand). VCF-style: chr4-46386101-C-G. GRCh37 (hg19) VCF-style: chr4-46388118-C-G.
Other names: c.160G>C, p.Asp54His (NM_001114175.3, NM_001330690.2, NM_001377144.1 and 8 more transcripts); c.63G>C, p.Thr21= (NM_001286827.3, NM_001377152.1, NM_001377153.1 and 1 more transcripts); short protein forms D54H.
Identifiers: ClinVar variation 4735294 (VCV004735294.1).
Genomic context (GRCh38, chr4:46,386,101, plus strand): 5'-ACGAGAGTTTTAAAAGAGGAAAACTATTTTTACCTCCCAGTCCTGGTCTAAGCCGATTAT[C>G]GTAACCATCCAGAAGTCTGTCAAGAATTCTCGTAAAGATGGTAATGTTATTTTTAGCCTC-3'
Protein context (NP_000798.2, residues 44-64): RILDRLLDGY[Asp54His]NRLRPGLGDS

ClinVar aggregate classification (germline): Uncertain significance (1 of 4 stars; one submission).

Submission:

Labcorp Genetics (formerly Invitae), Labcorp
Classification: Uncertain significance. Last evaluated: 2026-01-13. Review status: criteria provided, single submitter. Criteria: Invitae Variant Classification Sherloc (09022015). Collection method: clinical testing. Allele origin: germline.
Comment: This sequence change replaces aspartic acid, which is acidic and polar, with histidine, which is basic and polar, at codon 54 of the GABRA2 protein (p.Asp54His). This variant is not present in population databases (gnomAD no frequency). This variant has not been reported in the literature in individuals affected with GABRA2-related conditions. An algorithm developed to predict the effect of missense changes on protein structure and function (PolyPhen-2) suggests that this variant is likely to be disruptive. In summary, the available evidence is currently insufficient to determine the role of this variant in disease. Therefore, it has been classified as a Variant of Uncertain Significance.